The following is an entry in ClinVar:

ClinVar aggregate classification (germline): Likely benign (1 of 4 stars; one submission).

gnomAD v4.1: 1 of 1,212,029 alleles (0.000083%); highest among the groups gnomAD compares: South Asian, 0.0018%; no homozygotes.

Submission:

CeGaT Center for Human Genetics Tuebingen
Classification: Likely benign. Last evaluated: 2026-09-01. Review status: criteria provided, single submitter. Criteria: CeGaT Center For Human Genetics Tuebingen Variant Classification Criteria Version 2. Collection method: clinical testing. Allele origin: germline. Affected: yes. Observed: 1 variant allele.
Comment: BCOR: BP4, BP7

NM_001123385.2(BCOR):c.3663G>A (p.Gln1221=)

Gene: BCOR (BCL6 corepressor; minus strand). Cytogenetic location: Xp11.4.
Variant type: single nucleotide variant.
Coding change: c.3663G>A on transcript NM_001123385.2 (MANE Select); coding-DNA position 3663, G replaced by A.
Protein change: p.Gln1221=; no amino-acid change (glutamine 1221 retained).
Molecular consequence: synonymous variant.
Genome position (GRCh38, 1-based): chrX:40,063,792, C>T on the plus strand (G>A on the coding strand, the complement: BCOR is on the minus strand). VCF-style: chrX-40063792-C-T. GRCh37 (hg19) VCF-style: chrX-39923045-C-T.
Other names: c.3561G>A, p.Gln1187= (NM_017745.6, NM_001123383.2, NM_001438208.1); c.3507G>A, p.Gln1169= (NM_001123384.2); c.3663G>A, p.Gln1221= (NM_001437510.1, NM_001437511.1); c.3609G>A, p.Gln1203= (NM_001438207.1).
Identifiers: ClinVar variation 5041123 (VCV005041123.1).